The following is an entry in ClinVar:

NM_015338.6(ASXL1):c.1372C>T (p.Pro458Ser)

Gene: ASXL1 (ASXL transcriptional regulator 1; plus strand). Cytogenetic location: 20q11.21.
Variant type: single nucleotide variant.
Coding change: c.1372C>T on transcript NM_015338.6 (MANE Select); coding-DNA position 1372, C replaced by T.
Protein change: p.Pro458Ser; replaces proline 458 with serine.
Molecular consequence: missense variant.
Genome position (GRCh38, 1-based): chr20:32,433,570, C>T. VCF-style: chr20-32433570-C-T. GRCh37 (hg19) VCF-style: chr20-31021373-C-T.
Other names: c.1189C>T, p.Pro397Ser (NM_001363734.1); short protein forms P458S, P397S.
Identifiers: ClinVar variation 3793550 (VCV003793550.2).
Genomic context (GRCh38, chr20:32,433,570, plus strand): 5'-GATGCAAAATCTGTGGCCTCAGATGTTCCCCTCTACAAGGATGGGGAGGCTAAGACTGAC[C>T]CAGCAGGGCTGAGCAGTCCCCATCTGCCAGGCACATCCTCTGCAGCACCCGACCTGGAGG-3'
Protein context (NP_056153.2, residues 448-468): LYKDGEAKTD[Pro458Ser]AGLSSPHLPG

ClinVar aggregate classification (germline): Conflicting classifications of pathogenicity. Review status: criteria provided, conflicting classifications (1 of 4 stars). 2 submissions from 2 submitters: Uncertain significance (1); Likely benign (1). Last evaluated 2025-12-19.

Conditions:
Inborn genetic diseases. Identifiers: MedGen C0950123, MeSH D030342.

gnomAD v4.1: 1 of 1,614,158 alleles (0.000062%); highest among the groups gnomAD compares: South Asian, 0.0011%; no homozygotes.

Submissions (2):

Labcorp Genetics (formerly Invitae), Labcorp
Classification: Uncertain significance. Last evaluated: 2025-12-19. Review status: criteria provided, single submitter. Criteria: Invitae Variant Classification Sherloc (09022015). Collection method: clinical testing. Allele origin: germline.
Comment: This sequence change replaces proline, which is neutral and non-polar, with serine, which is neutral and polar, at codon 458 of the ASXL1 protein (p.Pro458Ser). This variant is not present in population databases (gnomAD no frequency). This variant has not been reported in the literature in individuals affected with ASXL1-related conditions. ClinVar contains an entry for this variant (Variation ID: 3793550). An algorithm developed to predict the effect of missense changes on protein structure and function outputs the following: PolyPhen-2: "Benign". The serine amino acid residue is found in multiple mammalian species, which suggests that this missense change does not adversely affect protein function. In summary, the available evidence is currently insufficient to determine the role of this variant in disease. Therefore, it has been classified as a Variant of Uncertain Significance.

Ambry Genetics
Classification: Likely benign for Inborn genetic diseases. Last evaluated: 2025-02-15. Review status: criteria provided, single submitter. Criteria: Ambry Variant Classification Scheme 2023. Collection method: clinical testing. Allele origin: germline.